The following is an entry in ClinVar:

NM_004064.5(CDKN1B):c.29G>C (p.Ser10Thr)

Gene: CDKN1B (cyclin dependent kinase inhibitor 1B; plus strand). Cytogenetic location: 12p13.1.
Variant type: single nucleotide variant.
Coding change: c.29G>C on transcript NM_004064.5 (MANE Select); coding-DNA position 29, G replaced by C.
Protein change: p.Ser10Thr; replaces serine 10 with threonine.
Molecular consequence: missense variant.
Genome position (GRCh38, 1-based): chr12:12,717,868, G>C. VCF-style: chr12-12717868-G-C. GRCh37 (hg19) VCF-style: chr12-12870802-G-C.
Other names: short protein forms S10T.
Identifiers: ClinVar variation 853497 (VCV000853497.10), dbSNP rs1555085482, ClinGen allele CA383968022.

ClinVar aggregate classification (germline): Uncertain significance. Review status: criteria provided, multiple submitters, no conflicts (2 of 4 stars). 2 submissions from 2 submitters: Uncertain significance (2). Last evaluated 2026-01-05.

Conditions:
Multiple endocrine neoplasia type 4. Also called: MULTIPLE ENDOCRINE NEOPLASIA, TYPE IV. Identifiers: Orphanet 276152, MedGen C1970712, MONDO:0012552, OMIM 610755.

Allele frequency attached by ClinVar (database versions not stated): TOPMed below 0.00001.

Submissions (2):

Labcorp Genetics (formerly Invitae), Labcorp
Classification: Uncertain significance for Multiple endocrine neoplasia type 4. Last evaluated: 2026-01-05. Review status: criteria provided, single submitter. Criteria: Invitae Variant Classification Sherloc (09022015). Collection method: clinical testing. Allele origin: germline.
Comment: This sequence change replaces serine, which is neutral and polar, with threonine, which is neutral and polar, at codon 10 of the CDKN1B protein (p.Ser10Thr). This variant is not present in population databases (gnomAD no frequency). This variant has not been reported in the literature in individuals affected with CDKN1B-related conditions. ClinVar contains an entry for this variant (Variation ID: 853497). An algorithm developed to predict the effect of missense changes on protein structure and function (PolyPhen-2) suggests that this variant is likely to be disruptive. In summary, the available evidence is currently insufficient to determine the role of this variant in disease. Therefore, it has been classified as a Variant of Uncertain Significance.

GeneDx
Classification: Uncertain significance. Last evaluated: 2022-09-16. Review status: criteria provided, single submitter. Criteria: GeneDx Variant Classification Process June 2021. Collection method: clinical testing. Allele origin: germline. Affected: yes.
Comment: Not observed at significant frequency in large population cohorts (gnomAD); In silico analysis supports that this missense variant does not alter protein structure/function; Has not been previously published as pathogenic or benign to our knowledge